The following is an entry in ClinVar:

NM_001018115.3(FANCD2):c.553dup (p.Arg185fs)

Genes: FANCD2 (FA complementation group D2; plus strand), LOC107303338 (3p25 FANCD2 Alu-mediated recombination region; plus strand). Cytogenetic location: 3p25.3.
Variant type: Duplication.
Coding change: c.553dup on transcript NM_001018115.3 (MANE Select); coding-DNA position 553, one base duplicated (A; older notation c.553dupA).
Protein change: p.Arg185fs; shifts the reading frame from arginine 185.
Molecular consequence: frameshift variant.
Genome position (GRCh38, 1-based): chr3:10,039,340, A duplicated. VCF-style (leftmost placement, unchanged base first): chr3-10039339-C-CA. GRCh37 (hg19) VCF-style: chr3-10081023-C-CA.
Other names: c.553dupA (NM_033084.3); c.553dup, p.Arg185fs (NM_001319984.2, NM_001374253.1, NM_001374254.1 and 2 more transcripts); c.553dup (NM_033084.4); short protein forms R185fs.
Identifiers: ClinVar variation 526407 (VCV000526407.9), dbSNP rs1553607671, ClinGen allele CA658796235.

ClinVar aggregate classification (germline): Pathogenic/Likely pathogenic. Review status: criteria provided, multiple submitters, no conflicts (2 of 4 stars). 2 submissions from 2 submitters: Pathogenic (1); Likely pathogenic (1). Last evaluated 2024-03-06.

Conditions:
Fanconi anemia (FA). Also called: Fanconi's anemia. Identifiers: Orphanet 84, MedGen C0015625, MeSH D005199, MONDO:0019391.
Fanconi anemia complementation group D2. Also called: FANCD2-Related Fanconi Anemia; FANCONI PANCYTOPENIA, TYPE 4; FANCONI ANEMIA, COMPLEMENTATION GROUP D. Identifiers: Orphanet 84, MedGen C3160738, MONDO:0009214, OMIM 227646.

Allele frequency attached by ClinVar (database versions not stated): gnomAD exomes below 0.00001.

Submissions (2):

Fulgent Genetics
Classification: Likely pathogenic for Fanconi anemia complementation group D2. Last evaluated: 2024-03-06. Review status: criteria provided, single submitter. Criteria: ACMG Guidelines, 2015. Collection method: clinical testing. Allele origin: germline.

Labcorp Genetics (formerly Invitae), Labcorp
Classification: Pathogenic for Fanconi anemia. Last evaluated: 2023-08-18. Review status: criteria provided, single submitter. Criteria: Invitae Variant Classification Sherloc (09022015). Collection method: clinical testing. Allele origin: germline.
Comment: ClinVar contains an entry for this variant (Variation ID: 526407). For these reasons, this variant has been classified as Pathogenic. This variant has not been reported in the literature in individuals affected with FANCD2-related conditions. This variant is not present in population databases (gnomAD no frequency). This sequence change creates a premature translational stop signal (p.Arg185Lysfs*26) in the FANCD2 gene. It is expected to result in an absent or disrupted protein product. Loss-of-function variants in FANCD2 are known to be pathogenic (PMID: 17436244).

Literature cited by the submitters: PubMed 17436244 (cited by Labcorp Genetics (formerly Invitae), Labcorp).